The following is an entry in ClinVar:

NM_004523.4(KIF11):c.790-1G>T

Gene: KIF11 (kinesin family member 11; plus strand). Cytogenetic location: 10q23.33.
Variant type: single nucleotide variant.
Coding change: c.790-1G>T on transcript NM_004523.4 (MANE Select); the canonical splice acceptor site of the intron before coding-DNA position 790, G replaced by T.
Molecular consequence: splice acceptor variant.
Genome position (GRCh38, 1-based): chr10:92,613,376, G>T. VCF-style: chr10-92613376-G-T. GRCh37 (hg19) VCF-style: chr10-94373133-G-T.
Other names: IVS7DS, G-T, -1.
Identifiers: ClinVar variation 192301 (VCV000192301.8), dbSNP rs730882122, ClinGen allele CA10602388.

ClinVar aggregate classification (germline): Pathogenic. Review status: criteria provided, multiple submitters, no conflicts (2 of 4 stars). 3 submissions from 3 submitters: Pathogenic (2). 1 of the submissions does not count toward it. Last evaluated 2024-11-29.

Conditions:
Microcephaly with or without chorioretinopathy, lymphedema or intellectual disability (MCLID).
Microcephaly with or without chorioretinopathy, lymphedema, or impaired intellectual development. Also called: MICROCEPHALY AND CHORIORETINOPATHY WITH OR WITHOUT MENTAL RETARDATION, AUTOSOMAL DOMINANT; MICROCEPHALY, LYMPHEDEMA, CHORIORETINAL DYSPLASIA SYNDROME; Microcephaly with or without chorioretinopathy, lymphedema, or mental retardation; Microcephaly with or without chorioretinopathy, lymphedema, or intellectual disability; Microcephaly lymphedema chorioretinal dysplasia. Identifiers: Orphanet 2526, MedGen C1835265, MONDO:0007918, OMIM 152950.

Submissions (3):

Labcorp Genetics (formerly Invitae), Labcorp
Classification: Pathogenic. Last evaluated: 2024-11-29. Review status: criteria provided, single submitter. Criteria: Invitae Variant Classification Sherloc (09022015). Collection method: clinical testing. Allele origin: germline.
Comment: This sequence change affects an acceptor splice site in intron 7 of the KIF11 gene. It is expected to disrupt RNA splicing. Variants that disrupt the donor or acceptor splice site typically lead to a loss of protein function (PMID: 16199547), and loss-of-function variants in KIF11 are known to be pathogenic (PMID: 22284827, 24281367). This variant is not present in population databases (gnomAD no frequency). Disruption of this splice site has been observed in individuals with familial exudative vitreoretinopathy (PMID: 25124931, 27212378). ClinVar contains an entry for this variant (Variation ID: 192301). Algorithms developed to predict the effect of sequence changes on RNA splicing suggest that this variant may disrupt the consensus splice site. For these reasons, this variant has been classified as Pathogenic.

Illumina Laboratory Services, Illumina
Classification: Pathogenic for Microcephaly with or without chorioretinopathy, lymphedema or intellectual disability (MCLID). Last evaluated: 2019-05-30. Review status: criteria provided, single submitter. Criteria: ICSLVariantClassificationCriteria RUGD 01 April 2020. Collection method: clinical testing. Allele origin: unknown.
Comment: The KIF11 c.790-1G>T variant occurs in a canonical splice site (acceptor) and is therefore predicted to disrupt or distort the normal gene product. The c.790-1G>T variant has been reported in one study, in which it is found in a heterozygous state in one individual with microcephaly and familial exudative vitreoretinopathy (Robitaille et al. 2014). The c.790-1G>T variant is not found in the Genome Aggregation Database in a region of good sequence coverage, so the variant is presumed to be rare. Similar variants, c.790-1G>A and c.790-2A>C, were identified in a presumed de novo heterozygous state in two individuals with microcephaly (Mirzaa et al. 2015; Li et al. 2016). Based on the collective evidence and application of the ACMG criteria, the c.790-1G>T variant is classified as pathogenic for microcephaly with or without chorioretinopathy, lymphedema or intellectual disability.

OMIM
Classification: Pathogenic for MICROCEPHALY WITH OR WITHOUT CHORIORETINOPATHY, LYMPHEDEMA, OR IMPAIRED INTELLECTUAL DEVELOPMENT. Last evaluated: 2014-12-01. Review status: no assertion criteria provided. Collection method: literature only. Allele origin: germline. Not counted in ClinVar's aggregate classification.

Literature cited by the submitters: PubMed 16199547 (cited by Labcorp Genetics (formerly Invitae), Labcorp); PubMed 22284827 (cited by Labcorp Genetics (formerly Invitae), Labcorp); PubMed 24281367 (cited by Labcorp Genetics (formerly Invitae), Labcorp); PubMed 25124931 (cited by 3 submitters); PubMed 27212378 (cited by Labcorp Genetics (formerly Invitae), Labcorp and Illumina Laboratory Services, Illumina); PubMed 25115524 (cited by Illumina Laboratory Services, Illumina).